The following is an entry in ClinVar:

ClinVar aggregate classification (germline): Uncertain significance. Review status: reviewed by expert panel (3 of 4 stars). 3 submissions from 3 submitters: Uncertain significance (1). 2 of the submissions do not count toward it. Last evaluated 2024-09-25.

Conditions:
Inborn genetic diseases. Identifiers: MedGen C0950123, MeSH D030342.
Hereditary thrombocytopenia and hematological cancer predisposition syndrome associated with RUNX1. Also called: RUNX1 Familial Platelet Disorder with Associated Myeloid Malignancies; Familial Platelet Disorder with Propensity to Acute Myelogenous Leukemia; Familial thrombocytopenia with propensity to acute myelogenous leukemia; PLATELET DISORDER, ASPIRIN-LIKE. Identifiers: Orphanet 71290, MedGen C1832388, MeSH C563324, MONDO:0100083, OMIM 601399.
Hereditary thrombocytopenia and hematologic cancer predisposition syndrome. Identifiers: Orphanet 71290, MedGen CN281654, MONDO:0011071.

Allele frequency attached by ClinVar (database versions not stated): TOPMed below 0.00001.

Submissions (3):

ClinGen Myeloid Malignancy Variant Curation Expert Panel
Classification: Uncertain significance for Hereditary thrombocytopenia and hematologic cancer predisposition syndrome. Last evaluated: 2024-09-25. Review status: reviewed by expert panel. Criteria: ClinGen MyeloMalig ACMG Specifications v2. Collection method: curation. Allele origin: germline. Inheritance: Autosomal dominant inheritance.
Comment: NM_001754.5(RUNX1):c.101C>T (p.Ala34Val) is a missense variant which has a REVEL score < 0.50 (0.414) and a SpliceAI score ≤ 0.20 (0.02) (BP4). This variant is completely absent from all population databases with at least 20x coverage for RUNX1 (PM2_Supporting). In summary, the clinical significance of this variant is uncertain. ACMG/AMP criteria applied, as specified by the Myeloid Malignancy Variant Curation Expert Panel for RUNX1: BP4, PM2_supporting.

Ambry Genetics
Classification: Uncertain significance for Inborn genetic diseases. Last evaluated: 2026-03-06. Review status: criteria provided, single submitter. Criteria: Ambry Variant Classification Scheme 2023. Collection method: clinical testing. Allele origin: germline. Not counted in ClinVar's aggregate classification.
Comment: The p.A34V variant (also known as c.101C>T), located in coding exon 3 of the RUNX1 gene, results from a C to T substitution at nucleotide position 101. The alanine at codon 34 is replaced by valine, an amino acid with similar properties. This amino acid position is not well conserved in available vertebrate species. In addition, the in silico prediction for this alteration is inconclusive. Based on the available evidence, the clinical significance of this variant remains unclear.

Labcorp Genetics (formerly Invitae), Labcorp
Classification: Uncertain significance for Hereditary thrombocytopenia and hematological cancer predisposition syndrome associated with RUNX1. Last evaluated: 2023-11-15. Review status: criteria provided, single submitter. Criteria: Invitae Variant Classification Sherloc (09022015). Collection method: clinical testing. Allele origin: germline. Not counted in ClinVar's aggregate classification.
Comment: This sequence change replaces alanine, which is neutral and non-polar, with valine, which is neutral and non-polar, at codon 34 of the RUNX1 protein (p.Ala34Val). This variant is not present in population databases (gnomAD no frequency). This variant has not been reported in the literature in individuals affected with RUNX1-related conditions. ClinVar contains an entry for this variant (Variation ID: 1485224). Advanced modeling of protein sequence and biophysical properties (such as structural, functional, and spatial information, amino acid conservation, physicochemical variation, residue mobility, and thermodynamic stability) has been performed at Invitae for this missense variant, however the output from this modeling did not meet the statistical confidence thresholds required to predict the impact of this variant on RUNX1 protein function. In summary, the available evidence is currently insufficient to determine the role of this variant in disease. Therefore, it has been classified as a Variant of Uncertain Significance.

NM_001754.5(RUNX1):c.101C>T (p.Ala34Val)

Gene: RUNX1 (RUNX family transcription factor 1; minus strand). Cytogenetic location: 21q22.12.
Variant type: single nucleotide variant.
Coding change: c.101C>T on transcript NM_001754.5 (MANE Select); coding-DNA position 101, C replaced by T.
Protein change: p.Ala34Val; replaces alanine 34 with valine.
Molecular consequence: missense variant.
Genome position (GRCh38, 1-based): chr21:34,887,093, G>A on the plus strand (C>T on the coding strand, the complement: RUNX1 is on the minus strand). VCF-style: chr21-34887093-G-A. GRCh37 (hg19) VCF-style: chr21-36259390-G-A.
Other names: NM_001754.5(RUNX1):c.101C>T; p.Ala34Val; c.20C>T, p.Ala7Val (NM_001001890.3, NM_001122607.2); c.101C>T (NM_001754.4); short protein forms A34V, A7V.
Identifiers: ClinVar variation 1485224 (VCV001485224.10), dbSNP rs2058006183, ClinGen allele CA410204318.